The following is an entry in ClinVar:

ClinVar aggregate classification (germline): Pathogenic/Likely pathogenic. Review status: criteria provided, multiple submitters, no conflicts (2 of 4 stars). 8 submissions from 8 submitters: Pathogenic (3); Likely pathogenic (2). 3 of the submissions do not count toward it. Last evaluated 2026-03-18.

Conditions:
Alzheimer disease 3 (AD3). Also called: ALZHEIMER DISEASE, FAMILIAL, 3. Identifiers: Orphanet 1020, MedGen C1843013, MONDO:0011913, OMIM 607822.
Pick disease. Also called: Pick's disease; Pick Disease of the Brain; DEMENTIA WITH LOBAR ATROPHY AND NEURONAL CYTOPLASMIC INCLUSIONS; LOBAR ATROPHY OF BRAIN; PICK DISEASE OF BRAIN. Identifiers: Orphanet 282, MedGen C0236642, MONDO:0008243, OMIM 172700.
Frontotemporal dementia (FTD1). Also called: Frontotemporal lobe dementia (FLDEM); FRONTOTEMPORAL LOBAR DEGENERATION WITH TAU INCLUSIONS; FTLD WITH TAU INCLUSIONS; WILHELMSEN-LYNCH DISEASE; FRONTOTEMPORAL DEMENTIA WITH PARKINSONISM; FRONTOTEMPORAL LOBE DEMENTIA. Identifiers: Orphanet 282, MedGen C0338451, MONDO:0017276, OMIM 600274, HP:0002145.
Acne inversa, familial, 3 (ACNINV3). Identifiers: MedGen C3151038, MONDO:0013398, OMIM 613737.
Autosomal dominant PSEN1-related disorders.

Submissions (8):

Women's Health and Genetics/Laboratory Corporation of America, LabCorp
Classification: Pathogenic for Alzheimer disease 3. Last evaluated: 2026-03-18. Review status: criteria provided, single submitter. Criteria: LabCorp Variant Classification Summary - May 2015. Collection method: clinical testing. Allele origin: germline.
Comment: Variant summary: PSEN1 c.786G>C (p.Leu262Phe) results in a non-conservative amino acid change in the encoded protein sequence. Algorithms developed to predict the effect of missense changes on protein structure and function all suggest that this variant is likely to be disruptive. The variant was absent in 249216 control chromosomes. c.786G>C has been observed in individuals affected with Alzheimer Disease, Type 3 and shown segregation with disease (Forsell_1997, Mol_2022). These data indicate that the variant is likely to be associated with disease. At least one publication reports experimental evidence evaluating an impact on protein function (Sun_2017). The most pronounced variant effect results in 70% of normal activity and increased production of longer form of -amyloid peptides that is more harmful, leading to formation of amyloid plaques and consequent development of AD. A different missense variant affecting the same codon (c.784T>G, p.Leu262Val) has been classified as pathogenic by our own lab, suggesting the clinical importance of this residue. The following publications have been ascertained in the context of this evaluation (PMID: 9347932, 35650585, 27930341). ClinVar contains an entry for this variant (Variation ID: 98077). Based on the evidence outlined above, the variant was classified as pathogenic.

Variantyx, Inc.
Classification: Likely pathogenic for Autosomal dominant PSEN1-related disorders. Last evaluated: 2025-08-05. Review status: criteria provided, single submitter. Criteria: Variantyx Assertion Criteria 2022. Collection method: clinical testing. Allele origin: germline. Inheritance: Autosomal dominant inheritance. Affected: yes.
Comment: This is a nonsynonymous variant in the PSEN1 gene (OMIM: 104311). Pathogenic variants in this gene have been associated with autosomal dominant PSEN1-related disorders. This variant has been reported in at least two unrelated affected individuals (PMID: 9347932, 35650585) (PS4_Moderate). Functional studies have shown that this variant alters PSEN1 protein function (PMID: 27930341), and multiple computational algorithms predict a deleterious effect for this variant (REVEL score: 0.931) (PP3).(PS3_Moderate). Moreover, the alteration lies within a known hotspot for pathogenic variants or a well-established critical functional domain of the PSEN1 protein (PM1). This variant is absent from control populations (PM2). Based on the current evidence, this variant is classified as likely pathogenic for autosomal dominant PSEN1-related disorders.

Labcorp Genetics (formerly Invitae), Labcorp
Classification: Pathogenic for Alzheimer disease 3; Pick disease; Acne inversa, familial, 3; Frontotemporal dementia. Last evaluated: 2024-12-11. Review status: criteria provided, single submitter. Criteria: Invitae Variant Classification Sherloc (09022015). Collection method: clinical testing. Allele origin: germline.
Comment: This sequence change replaces leucine, which is neutral and non-polar, with phenylalanine, which is neutral and non-polar, at codon 262 of the PSEN1 protein (p.Leu262Phe). This variant is not present in population databases (gnomAD no frequency). This missense change has been observed in individuals with Alzheimer's disease (PMID: 9347932, 35650585). It has also been observed to segregate with disease in related individuals. ClinVar contains an entry for this variant (Variation ID: 98077). Invitae Evidence Modeling of protein sequence and biophysical properties (such as structural, functional, and spatial information, amino acid conservation, physicochemical variation, residue mobility, and thermodynamic stability) indicates that this missense variant is expected to disrupt PSEN1 protein function with a positive predictive value of 95%. Experimental studies have shown that this missense change affects PSEN1 function (PMID: 27930341). This variant disrupts the p.Leu262 amino acid residue in PSEN1. Other variant(s) that disrupt this residue have been observed in individuals with PSEN1-related conditions (PMID: 22503161), which suggests that this may be a clinically significant amino acid residue. For these reasons, this variant has been classified as Pathogenic.

Institute of Medical Genetics and Applied Genomics, University Hospital Tübingen
Classification: Pathogenic for Alzheimer disease 3. Last evaluated: 2024-11-13. Review status: criteria provided, single submitter. Criteria: ACMG Guidelines, 2015. Collection method: clinical testing. Allele origin: germline. Inheritance: Autosomal dominant inheritance. Affected: yes.

Athena Diagnostics
Classification: Likely pathogenic. Last evaluated: 2018-11-26. Review status: criteria provided, single submitter. Criteria: Athena Diagnostics Criteria. Collection method: clinical testing. Allele origin: germline.
Comment: Not found in the total gnomAD dataset, and the data is high quality (0/281164 chr). Found in at least one symptomatic patient. Predicted to have a damaging effect on the protein. Damaging to protein function(s) relevant to disease mechanism.

Clinical Genetics DNA and cytogenetics Diagnostics Lab, Erasmus MC, Erasmus Medical Center
Classification: Pathogenic. Review status: no assertion criteria provided. Collection method: clinical testing. Allele origin: germline. Affected: yes. Study: VKGL Data-share Consensus. Not counted in ClinVar's aggregate classification.

Genome Diagnostics Laboratory, Amsterdam University Medical Center
Classification: Pathogenic. Review status: no assertion criteria provided. Collection method: clinical testing. Allele origin: germline. Affected: yes. Study: VKGL Data-share Consensus. Not counted in ClinVar's aggregate classification.

VIB  Department of Molecular Genetics, University of Antwerp
No classification provided. Review status: no classification provided. Collection method: not provided. Allele origin: not provided. Not counted in ClinVar's aggregate classification.

Literature cited by the submitters: PubMed 27930341 (cited by 4 submitters); PubMed 9347932 (cited by 4 submitters); PubMed 35650585 (cited by 3 submitters); PubMed 22503161 (cited by Labcorp Genetics (formerly Invitae), Labcorp); PubMed 26756738 (cited by Athena Diagnostics); PubMed 24928124 (cited by Athena Diagnostics); PubMed 21725313 (cited by Athena Diagnostics); PubMed 16752394 (cited by Athena Diagnostics); PubMed 23539189 (cited by Athena Diagnostics).

NM_000021.4(PSEN1):c.786G>C (p.Leu262Phe)

Gene: PSEN1 (presenilin 1; plus strand). Cytogenetic location: 14q24.2.
Variant type: single nucleotide variant.
Coding change: c.786G>C on transcript NM_000021.4 (MANE Select); coding-DNA position 786, G replaced by C.
Protein change: p.Leu262Phe; replaces leucine 262 with phenylalanine.
Molecular consequence: missense variant.
Genome position (GRCh38, 1-based): chr14:73,198,047, G>C. VCF-style: chr14-73198047-G-C. GRCh37 (hg19) VCF-style: chr14-73664755-G-C.
Other names: c.774G>C, p.Leu258Phe (NM_007318.3); short protein forms L262F, L258F.
Identifiers: ClinVar variation 98077 (VCV000098077.9), dbSNP rs63750248, ClinGen allele CA225113.
Genomic context (GRCh38, chr14:73,198,047, plus strand): 5'-CCCATACATTTTATTAGATGTCTTTTATGTTTTTCTTTTTCTAGATTTAGTGGCTGTTTT[G>C]TGTCCGAAAGGTCCACTTCGTATGCTGGTTGAAACAGCTCAGGAGAGAAATGAAACGCTT-3'
Protein context (NP_000012.1, residues 252-272): VISVYDLVAV[Leu262Phe]CPKGPLRMLV